The following is an entry in ClinVar:

NM_206933.4(USH2A):c.598G>A (p.Val200Ile)

Gene: USH2A (usherin; minus strand). Cytogenetic location: 1q41.
Variant type: single nucleotide variant.
Coding change: c.598G>A on transcript NM_206933.4 (MANE Select); coding-DNA position 598, G replaced by A.
Protein change: p.Val200Ile; replaces valine 200 with isoleucine.
Molecular consequence: missense variant.
Genome position (GRCh38, 1-based): chr1:216,418,567, C>T on the plus strand (G>A on the coding strand, the complement: USH2A is on the minus strand). VCF-style: chr1-216418567-C-T. GRCh37 (hg19) VCF-style: chr1-216591909-C-T.
Other names: c.598G>A, p.Val200Ile (NM_007123.6); short protein forms V200I.
Identifiers: ClinVar variation 1016929 (VCV001016929.6), dbSNP rs781022362, ClinGen allele CA1396744.

ClinVar aggregate classification (germline): Uncertain significance (1 of 4 stars; one submission).

Allele frequency attached by ClinVar (database versions not stated): gnomAD exomes below 0.00001 and 0.00001; ExAC 0.00001.
gnomAD v4.1: 7 of 1,613,378 alleles (0.00043%); highest among the groups gnomAD compares: Non-Finnish European, 0.00059%; no homozygotes.

Submission:

Labcorp Genetics (formerly Invitae), Labcorp
Classification: Uncertain significance. Last evaluated: 2022-02-06. Review status: criteria provided, single submitter. Criteria: Invitae Variant Classification Sherloc (09022015). Collection method: clinical testing. Allele origin: germline.
Comment: This sequence change replaces valine, which is neutral and non-polar, with isoleucine, which is neutral and non-polar, at codon 200 of the USH2A protein (p.Val200Ile). This variant is present in population databases (rs781022362, gnomAD 0.0009%). This variant has not been reported in the literature in individuals affected with USH2A-related conditions. ClinVar contains an entry for this variant (Variation ID: 1016929). Algorithms developed to predict the effect of missense changes on protein structure and function output the following: SIFT: "Tolerated"; PolyPhen-2: "Benign"; Align-GVGD: "Class C0". The isoleucine amino acid residue is found in multiple mammalian species, which suggests that this missense change does not adversely affect protein function. In summary, the available evidence is currently insufficient to determine the role of this variant in disease. Therefore, it has been classified as a Variant of Uncertain Significance.